The following is an entry in ClinVar:

NM_000051.4(ATM):c.510G>T (p.Val170=)

Gene: ATM (ATM serine/threonine kinase; plus strand). Cytogenetic location: 11q22.3.
Variant type: single nucleotide variant.
Coding change: c.510G>T on transcript NM_000051.4 (MANE Select); coding-DNA position 510, G replaced by T.
Protein change: p.Val170=; no amino-acid change (valine 170 retained).
Molecular consequence: synonymous variant.
Genome position (GRCh38, 1-based): chr11:108,243,966, G>T. VCF-style: chr11-108243966-G-T. GRCh37 (hg19) VCF-style: chr11-108114693-G-T.
Other names: c.510G>T, p.Val170= (NM_001351834.2).
Identifiers: ClinVar variation 1745403 (VCV001745403.2), dbSNP rs375682557, ClinGen allele CA476671376.

ClinVar aggregate classification (germline): Uncertain significance (1 of 4 stars; one submission).

Conditions:
Hereditary cancer-predisposing syndrome. Also called: Hereditary Cancer Syndrome; Neoplastic Syndromes, Hereditary; Tumor predisposition; Hereditary neoplastic syndrome. Identifiers: Orphanet 140162, MedGen C0027672, MeSH D009386, MONDO:0015356.

Submission:

Ambry Genetics
Classification: Uncertain significance for Hereditary cancer-predisposing syndrome. Last evaluated: 2022-07-01. Review status: criteria provided, single submitter. Criteria: Ambry Variant Classification Scheme 2023. Collection method: clinical testing. Allele origin: germline.
Comment: The c.510G>T variant (also known as p.V170V) is located in coding exon 5 of the ATM gene. This variant results from a G to T substitution at nucleotide position 510. This nucleotide substitution does not change the valine at codon 170. This nucleotide position is not well conserved in available vertebrate species. In silico splice site analysis for this alteration is inconclusive. Since supporting evidence is limited at this time, the clinical significance of this alteration remains unclear.